The following is an entry in ClinVar:

ClinVar aggregate classification (germline): Benign. Review status: criteria provided, multiple submitters, no conflicts (2 of 4 stars). 3 submissions from 3 submitters: Benign (3). Last evaluated 2021-05-08.

Conditions:
Weill-Marchesani 4 syndrome, recessive. Also called: Weill-Marchesani syndrome 4. Identifiers: Orphanet 363992, MedGen C2750787, MONDO:0013176, OMIM 613195.

Allele frequency attached by ClinVar (database versions not stated): gnomAD exomes 0.48361; 1000 Genomes Project 0.58167; 1000 Genomes Project 30x 0.58745; TOPMed 0.61933; gnomAD 0.63361 and 0.63825.

Submissions (3):

GeneDx
Classification: Benign. Last evaluated: 2021-05-08. Review status: criteria provided, single submitter. Criteria: GeneDx Variant Classification Process June 2021. Collection method: clinical testing. Allele origin: germline. Affected: yes.

Illumina Laboratory Services, Illumina
Classification: Benign for Weill-Marchesani 4 syndrome, recessive. Last evaluated: 2018-01-13. Review status: criteria provided, single submitter. Criteria: ICSL Variant Classification Criteria 13 December 2019. Collection method: clinical testing. Allele origin: germline.
Comment: This variant was observed in the ICSL laboratory as part of a predisposition screen in an ostensibly healthy population. It had not been previously curated by ICSL or reported in the Human Gene Mutation Database (HGMD: prior to June 1st, 2018), and was therefore a candidate for classification through an automated scoring system. Utilizing variant allele frequency, disease prevalence and penetrance estimates, and inheritance mode, an automated score was calculated to assess if this variant is too frequent to cause the disease. Based on the score and internal cut-off values, a variant classified as benign is not then subjected to further curation. The score for this variant resulted in a classification of benign for this disease.

Breakthrough Genomics
Classification: Benign. Review status: criteria provided, single submitter. Criteria: ACMG Guidelines, 2015. Collection method: not provided. Allele origin: germline. Inheritance: Autosomal recessive inheritance. Affected: yes.

NM_139057.4(ADAMTS17):c.*1243C>T

Gene: ADAMTS17 (ADAM metallopeptidase with thrombospondin type 1 motif 17; minus strand). Cytogenetic location: 15q26.3.
Variant type: single nucleotide variant.
Coding change: c.*1243C>T on transcript NM_139057.4 (MANE Select); 1243 bases downstream of the stop codon, C replaced by T.
Molecular consequence: 3 prime UTR variant.
Genome position (GRCh38, 1-based): chr15:99,973,159, G>A on the plus strand (C>T on the coding strand, the complement: ADAMTS17 is on the minus strand). VCF-style: chr15-99973159-G-A. GRCh37 (hg19) VCF-style: chr15-100513364-G-A.
Identifiers: ClinVar variation 315192 (VCV000315192.7), dbSNP rs2581363, ClinGen allele CA10636905.
Genomic context (GRCh38, chr15:99,973,159, plus strand): 5'-CTCTGTGCTCTCAAAGAGGCCACTCTGCTTGTCTGCTGCCAGGCGTAAGGGGGCTGCAGG[G>A]GGGAAGGACCTTCCTTCATCATGCATCATCCTTGCCCCACCAAGAAGATGGGTCAATGAT-3'